The following is an entry in ClinVar:

NM_000419.5(ITGA2B):c.231C>T (p.Ser77=)

Gene: ITGA2B (integrin subunit alpha 2b; minus strand). Cytogenetic location: 17q21.31.
Variant type: single nucleotide variant.
Coding change: c.231C>T on transcript NM_000419.5 (MANE Select); coding-DNA position 231, C replaced by T.
Protein change: p.Ser77=; no amino-acid change (serine 77 retained).
Molecular consequence: synonymous variant.
Genome position (GRCh38, 1-based): chr17:44,386,089, G>A on the plus strand (C>T on the coding strand, the complement: ITGA2B is on the minus strand). VCF-style: chr17-44386089-G-A. GRCh37 (hg19) VCF-style: chr17-42463457-G-A.
Identifiers: ClinVar variation 3030823 (VCV003030823.2), dbSNP rs2510085520, ClinGen allele CA500624555.

ClinVar aggregate classification (germline): Likely benign (0 of 4 stars; one submission).

Conditions:
ITGA2B-related disorder. Also called: ITGA2B-related condition; ITGA2B-related disorders.

Submission:

PreventionGenetics, part of Exact Sciences
Classification: Likely benign for ITGA2B-related condition. Last evaluated: 2021-02-03. Review status: no assertion criteria provided. Collection method: clinical testing. Allele origin: germline.
Comment: This variant is classified as likely benign based on ACMG/AMP sequence variant interpretation guidelines (Richards et al. 2015 PMID: 25741868, with internal and published modifications).